The following is an entry in ClinVar:

ClinVar aggregate classification (germline): Conflicting classifications of pathogenicity. Review status: criteria provided, conflicting classifications (1 of 4 stars). 7 submissions from 7 submitters: Uncertain significance (4); Likely benign (3). Last evaluated 2025-08-24.

Conditions:
Hereditary cancer. Identifiers: MedGen C1333600.
Hereditary cancer-predisposing syndrome. Also called: Tumor predisposition; Hereditary Cancer Syndrome; Hereditary neoplastic syndrome; Neoplastic Syndromes, Hereditary. Identifiers: Orphanet 140162, MedGen C0027672, MeSH D009386, MONDO:0015356.
Hereditary breast ovarian cancer syndrome. Also called: Breast and ovarian cancer; Hereditary breast and ovarian cancer; Hereditary breast and/or ovarian cancer syndrome; BRCA1- and BRCA2-Associated Hereditary Breast and Ovarian Cancer; Hereditary breast and ovarian cancer syndrome (HBOC); Hereditary breast and ovarian cancer syndrome. Identifiers: Orphanet 145, MedGen C0677776, MeSH D061325, MONDO:0003582. Disease mechanism: loss of function.

Allele frequency attached by ClinVar (database versions not stated): gnomAD exomes below 0.00001.
gnomAD v4.1: 3 of 1,613,842 alleles (0.00019%); highest among the groups gnomAD compares: Non-Finnish European, 0.00025%; no homozygotes.

Submissions (7):

Labcorp Genetics (formerly Invitae), Labcorp
Classification: Uncertain significance for Hereditary breast ovarian cancer syndrome. Last evaluated: 2025-08-24. Review status: criteria provided, single submitter. Criteria: Invitae Variant Classification Sherloc (09022015). Collection method: clinical testing. Allele origin: germline.
Comment: This sequence change replaces tyrosine, which is neutral and polar, with cysteine, which is neutral and slightly polar, at codon 3417 of the BRCA2 protein (p.Tyr3417Cys). This variant is not present in population databases (gnomAD no frequency). This missense change has been observed in individual(s) with personal or family history of breast or ovarian cancer (PMID: 29161300). ClinVar contains an entry for this variant (Variation ID: 182306). Invitae Evidence Modeling of protein sequence and biophysical properties (such as structural, functional, and spatial information, amino acid conservation, physicochemical variation, residue mobility, and thermodynamic stability) indicates that this missense variant is not expected to disrupt BRCA2 protein function with a negative predictive value of 95%. In summary, the available evidence is currently insufficient to determine the role of this variant in disease. Therefore, it has been classified as a Variant of Uncertain Significance.

Mendelics
Classification: Likely benign for Hereditary cancer. Last evaluated: 2024-01-23. Review status: criteria provided, single submitter. Criteria: ACMG Guidelines, 2015. Collection method: clinical testing. Allele origin: unknown.

Ambry Genetics
Classification: Uncertain significance for Hereditary cancer-predisposing syndrome. Last evaluated: 2023-02-28. Review status: criteria provided, single submitter. Criteria: Ambry Variant Classification Scheme 2023. Collection method: clinical testing. Allele origin: germline.
Comment: The p.Y3417C variant (also known as c.10250A>G), located in coding exon 26 of the BRCA2 gene, results from an A to G substitution at nucleotide position 10250. The tyrosine at codon 3417 is replaced by cysteine, an amino acid with highly dissimilar properties. This amino acid position is not well conserved in available vertebrate species. In addition, this alteration is predicted to be tolerated by in silico analysis. Since supporting evidence is limited at this time, the clinical significance of this alteration remains unclear.

Quest Diagnostics Nichols Institute San Juan Capistrano
Classification: Uncertain significance. Last evaluated: 2022-09-07. Review status: criteria provided, single submitter. Criteria: Quest Diagnostics criteria. Collection method: clinical testing. Allele origin: unknown.
Comment: It has not been reported in large, multi-ethnic general populations. In the published literature, the variant has been reported in individuals with a personal and/or family history of breast /ovarian cancer (PMIDs: 29161300 (2017) and 33471991 (2021)). Analysis of this variant using bioinformatics tools for the prediction of the effect of amino acid changes on protein structure and function yielded predictions that this variant is benign. Based on the available information, we are unable to determine the clinical significance of this variant.

Women's Health and Genetics/Laboratory Corporation of America, LabCorp
Classification: Uncertain significance. Last evaluated: 2022-05-14. Review status: criteria provided, single submitter. Criteria: LabCorp Variant Classification Summary - May 2015. Collection method: clinical testing. Allele origin: germline.
Comment: Variant summary: BRCA2 c.10250A>G (p.Tyr3417Cys) results in a non-conservative amino acid change in the encoded protein sequence. Three of five in-silico tools predict a benign effect of the variant on protein function. The variant was absent in 250062 control chromosomes. The available data on variant occurrences in the general population are insufficient to allow any conclusion about variant significance. c.10250A>G has been reported in the literature as a VUS in at-least one individual affected with Hereditary Breast And Ovarian Cancer (example, Alemar_2017). These report(s) do not provide unequivocal conclusions about association of the variant with Hereditary Breast And Ovarian Cancer Syndrome. To our knowledge, no experimental evidence demonstrating an impact on protein function has been reported. Four clinical diagnostic laboratories have submitted clinical-significance assessments for this variant to ClinVar after 2014 without evidence for independent evaluation. Multiple laboratories reported the variant with conflicting assessments (VUS, n=2; Likely Benign, n=2). Based on the evidence outlined above, the variant was classified as uncertain significance.

Color Diagnostics, LLC DBA Color Health
Classification: Likely benign for Hereditary cancer-predisposing syndrome. Last evaluated: 2016-12-16. Review status: criteria provided, single submitter. Criteria: ACMG Guidelines, 2015. Collection method: clinical testing. Allele origin: germline.

GeneDx
Classification: Likely benign. Last evaluated: 2016-02-24. Review status: criteria provided, single submitter. Criteria: GeneDx Variant Classification (06012015). Collection method: clinical testing. Allele origin: germline. Affected: yes.
Comment: This variant is considered likely benign or benign based on one or more of the following criteria: it is a conservative change, it occurs at a poorly conserved position in the protein, it is predicted to be benign by multiple in silico algorithms, and/or has population frequency not consistent with disease.

Literature cited by the submitters: PubMed 29161300 (cited by 4 submitters); PubMed 33471991 (cited by Quest Diagnostics Nichols Institute San Juan Capistrano).

NM_000059.4(BRCA2):c.10250A>G (p.Tyr3417Cys)

Gene: BRCA2 (BRCA2 DNA repair associated; plus strand). Cytogenetic location: 13q13.1.
Variant type: single nucleotide variant.
Coding change: c.10250A>G on transcript NM_000059.4 (MANE Select); coding-DNA position 10250, A replaced by G.
Protein change: p.Tyr3417Cys; replaces tyrosine 3417 with cysteine.
Molecular consequence: missense variant.
Genome position (GRCh38, 1-based): chr13:32,398,763, A>G. VCF-style: chr13-32398763-A-G. GRCh37 (hg19) VCF-style: chr13-32972900-A-G.
Other names: p.Y3417C:TAT>TGT; short protein forms Y3417C.
Identifiers: ClinVar variation 182306 (VCV000182306.20), dbSNP rs730881600, ClinGen allele CA010562.